The following is an entry in ClinVar:

ClinVar aggregate classification (germline): Uncertain significance (1 of 4 stars; one submission).

Conditions:
Ataxia-telangiectasia syndrome (AT). Also called: ATAXIA-TELANGIECTASIA, COMPLEMENTATION GROUP A; Ataxia telangiectasia (A-T); Cerebello-oculocutaneous telangiectasia; Immunodeficiency with ataxia telangiectasia; LOUIS-BAR SYNDROME; ATAXIA-TELANGIECTASIA, FRESNO VARIANT. Identifiers: Orphanet 100, MedGen C0004135, MONDO:0008840, OMIM 208900.

Submission:

Labcorp Genetics (formerly Invitae), Labcorp
Classification: Uncertain significance for Ataxia-telangiectasia syndrome. Last evaluated: 2022-12-19. Review status: criteria provided, single submitter. Criteria: Invitae Variant Classification Sherloc (09022015). Collection method: clinical testing. Allele origin: germline.
Comment: This sequence change replaces glycine, which is neutral and non-polar, with serine, which is neutral and polar, at codon 670 of the ATM protein (p.Gly670Ser). This variant is not present in population databases (gnomAD no frequency). This variant has not been reported in the literature in individuals affected with ATM-related conditions. Algorithms developed to predict the effect of missense changes on protein structure and function output the following: SIFT: "Tolerated"; PolyPhen-2: "Benign"; Align-GVGD: "Class C0". The serine amino acid residue is found in multiple mammalian species, which suggests that this missense change does not adversely affect protein function. In summary, the available evidence is currently insufficient to determine the role of this variant in disease. Therefore, it has been classified as a Variant of Uncertain Significance.

NM_000051.4(ATM):c.2008G>A (p.Gly670Ser)

Gene: ATM (ATM serine/threonine kinase; plus strand). Cytogenetic location: 11q22.3.
Variant type: single nucleotide variant.
Coding change: c.2008G>A on transcript NM_000051.4 (MANE Select); coding-DNA position 2008, G replaced by A.
Protein change: p.Gly670Ser; replaces glycine 670 with serine.
Molecular consequence: missense variant.
Genome position (GRCh38, 1-based): chr11:108,253,923, G>A. VCF-style: chr11-108253923-G-A. GRCh37 (hg19) VCF-style: chr11-108124650-G-A.
Other names: c.2008G>A, p.Gly670Ser (NM_001351834.2); short protein forms G670S.
Identifiers: ClinVar variation 2822236 (VCV002822236.3), dbSNP rs2135368848, ClinGen allele CA382537071.